The following is an entry in ClinVar:

ClinVar aggregate classification (germline): Uncertain significance. Review status: criteria provided, multiple submitters, no conflicts (2 of 4 stars). 3 submissions from 3 submitters: Uncertain significance (2). 1 of the submissions does not count toward it. Last evaluated 2021-09-26.

Conditions:
Microcephaly, normal intelligence and immunodeficiency (NBS). Also called: BERLIN BREAKAGE SYNDROME; SEEMANOVA SYNDROME II; Immunodeficiency, microcephaly with normal intelligence; Nijmegen breakage syndrome; Microcephaly with normal intelligence immunodeficiency and lymphoreticular malignancies; Nonsyndromal microcephaly autosomal recessive with normal intelligence. Identifiers: Orphanet 647, MedGen C0398791, MONDO:0009623, OMIM 251260.

Allele frequency attached by ClinVar (database versions not stated): gnomAD exomes below 0.00001 and 0.00001; ExAC 0.00001.
gnomAD v4.1: 2 of 1,612,456 alleles (0.00012%); highest among the groups gnomAD compares: East Asian, 0.0022%; no homozygotes.

Submissions (3):

Labcorp Genetics (formerly Invitae), Labcorp
Classification: Uncertain significance for Microcephaly, normal intelligence and immunodeficiency. Last evaluated: 2021-09-26. Review status: criteria provided, single submitter. Criteria: Invitae Variant Classification Sherloc (09022015). Collection method: clinical testing. Allele origin: germline.
Comment: In summary, the available evidence is currently insufficient to determine the role of this variant in disease. Therefore, it has been classified as a Variant of Uncertain Significance. Algorithms developed to predict the effect of missense changes on protein structure and function are either unavailable or do not agree on the potential impact of this missense change (SIFT: "Tolerated"; PolyPhen-2: "Possibly Damaging"; Align-GVGD: "Class C0"). ClinVar contains an entry for this variant (Variation ID: 419295). This variant has not been reported in the literature in individuals affected with NBN-related conditions. This variant is present in population databases (rs770163751, ExAC 0.006%). This sequence change replaces aspartic acid with glycine at codon 121 of the NBN protein (p.Asp121Gly). The aspartic acid residue is highly conserved and there is a moderate physicochemical difference between aspartic acid and glycine.

GeneDx
Classification: Uncertain significance. Last evaluated: 2015-06-22. Review status: criteria provided, single submitter. Criteria: GeneDx Variant Classification (06012015). Collection method: clinical testing. Allele origin: germline. Affected: yes.
Comment: This variant is denoted NBN c.362A>G at the cDNA level, p.Asp121Gly (D121G) at the protein level, and results in the change of an Aspartic Acid to a Glycine (GAT>GGT). This variant has not, to our knowledge, been published in the literature as pathogenic or benign. NBN Asp121Gly was not observed in approximately 6,500 individuals of European and African American ancestry in the NHLBI Exome Sequencing Project, indicating it is not a common benign variant in these populations. Since Aspartic Acid and Glycine differ in polarity, charge, size or other properties, this is considered a non-conservative amino acid substitution. NBN Asp121Gly occurs at a position that is conserved and is located within the BRCT domain and the region that mediates interaction with SP100 (UniProt). In silico analyses predict that this variant is probably damaging to protein structure and function. Based on currently available information, it is unclear whether NBN Asp121Gly is pathogenic or benign. We consider it to be a variant of uncertain significance.

Natera, Inc.
Classification: Uncertain significance for Nijmegen breakage syndrome. Last evaluated: 2020-09-16. Review status: no assertion criteria provided. Collection method: clinical testing. Allele origin: germline. Not counted in ClinVar's aggregate classification.

NM_002485.5(NBN):c.362A>G (p.Asp121Gly)

Gene: NBN (nibrin; minus strand). Cytogenetic location: 8q21.3.
Variant type: single nucleotide variant.
Coding change: c.362A>G on transcript NM_002485.5 (MANE Select); coding-DNA position 362, A replaced by G.
Protein change: p.Asp121Gly; replaces aspartic acid 121 with glycine.
Molecular consequence: missense variant.
Genome position (GRCh38, 1-based): chr8:89,980,852, T>C on the plus strand (A>G on the coding strand, the complement: NBN is on the minus strand). VCF-style: chr8-89980852-T-C. GRCh37 (hg19) VCF-style: chr8-90993080-T-C.
Other names: c.116A>G, p.Asp39Gly (NM_001024688.3); short protein forms D121G, D39G.
Identifiers: ClinVar variation 419295 (VCV000419295.8), dbSNP rs770163751, ClinGen allele CA4802991.